The following is an entry in ClinVar:

NM_000051.4(ATM):c.6808-13A>G

Genes: C11orf65 (chromosome 11 open reading frame 65; minus strand), ATM (ATM serine/threonine kinase; plus strand). Cytogenetic location: 11q22.3.
Variant type: single nucleotide variant.
Coding change: c.6808-13A>G on transcript NM_000051.4 (MANE Select); 13 bases into the intron before coding-DNA position 6808, A replaced by G.
Molecular consequence: intron variant.
Genome position (GRCh38, 1-based): chr11:108,326,045, A>G. VCF-style: chr11-108326045-A-G. GRCh37 (hg19) VCF-style: chr11-108196772-A-G.
Other names: c.6808-13A>G (NM_001351834.2, NM_000051.3); c.641-16974T>C (NM_001330368.2); c.*38+9175T>C (NM_001351110.2).
Identifiers: ClinVar variation 1611617 (VCV001611617.11), dbSNP rs1410228904, ClinGen allele CA601726070.

ClinVar aggregate classification (germline): Conflicting classifications of pathogenicity. Review status: criteria provided, conflicting classifications (1 of 4 stars). 4 submissions from 4 submitters: Uncertain significance (1); Likely benign (3). Last evaluated 2025-10-13.

Conditions:
Familial cancer of breast. Also called: BREAST CANCER, FAMILIAL; Hereditary breast cancer; hereditary breast carcinoma. Identifiers: Orphanet 227535, MedGen C0346153, MONDO:0016419, OMIM 114480. Disease mechanism: loss of function.
Familial colorectal cancer type X. Identifiers: Orphanet 440437, MedGen C3896578, MONDO:0018604.
Ataxia-telangiectasia syndrome (AT). Also called: LOUIS-BAR SYNDROME; Cerebello-oculocutaneous telangiectasia; Immunodeficiency with ataxia telangiectasia; Ataxia telangiectasia (A-T); Ataxia-telangiectasia, complementation group D; AT, COMPLEMENTATION GROUP C. Identifiers: Orphanet 100, MedGen C0004135, MONDO:0008840, OMIM 208900.
Hereditary cancer-predisposing syndrome. Also called: Neoplastic Syndromes, Hereditary; Tumor predisposition; Hereditary Cancer Syndrome; Hereditary neoplastic syndrome. Identifiers: Orphanet 140162, MedGen C0027672, MeSH D009386, MONDO:0015356.

Allele frequency attached by ClinVar (database versions not stated): gnomAD exomes below 0.00001; gnomAD 0.00001; TOPMed below 0.00001.
gnomAD v4.1: 3 of 1,613,300 alleles (0.00019%); highest among the groups gnomAD compares: African/African-American, 0.004%; no homozygotes.

Submissions (4):

Labcorp Genetics (formerly Invitae), Labcorp
Classification: Likely benign for Ataxia-telangiectasia syndrome. Last evaluated: 2025-10-13. Review status: criteria provided, single submitter. Criteria: Invitae Variant Classification Sherloc (09022015). Collection method: clinical testing. Allele origin: germline.

Myriad Genetics, Inc.
Classification: Likely benign for Familial cancer of breast. Last evaluated: 2024-06-12. Review status: criteria provided, single submitter. Criteria: Myriad Autosomal Dominant, Autosomal Recessive and X-Linked Classification Criteria (2023). Collection method: clinical testing. Allele origin: unknown.
Comment: This variant is considered likely benign. This variant is intronic and is not expected to impact mRNA splicing.

Color Diagnostics, LLC DBA Color Health
Classification: Uncertain significance for Hereditary cancer-predisposing syndrome. Last evaluated: 2023-09-18. Review status: criteria provided, single submitter. Criteria: ACMG Guidelines, 2015. Collection method: clinical testing. Allele origin: germline.
Comment: This variant causes an A to G nucleotide substitution at the -13 position of intron 46 of the ATM gene. To our knowledge, RNA studies have not been reported for this variant. This variant has not been reported in individuals affected with ATM-related disorders in the literature. This variant has been identified in 1/250916 chromosomes in the general population by the Genome Aggregation Database (gnomAD). The available evidence is insufficient to determine the role of this variant in disease conclusively. Therefore, this variant is classified as a Variant of Uncertain Significance.

Department of Pathology and Laboratory Medicine, Sinai Health System
Classification: Likely benign for Familial colorectal cancer type X. Last evaluated: 2022-03-07. Review status: criteria provided, single submitter. Criteria: ACMG Guidelines, 2015. Collection method: clinical testing. Allele origin: germline. Affected: yes.